The following is an entry in ClinVar:

ClinVar aggregate classification (germline): Uncertain significance. Review status: criteria provided, multiple submitters, no conflicts (2 of 4 stars). 2 submissions from 2 submitters: Uncertain significance (2). Last evaluated 2025-11-20.

Allele frequency attached by ClinVar (database versions not stated): TOPMed 0.00003; 1000 Genomes Project 30x 0.00031; 1000 Genomes Project 0.00040.
gnomAD v4.1: 31 of 1,613,880 alleles (0.0019%); highest among the groups gnomAD compares: African/African-American, 0.027%; 2 homozygotes.

Submissions (2):

Ambry Genetics
Classification: Uncertain significance. Last evaluated: 2025-11-20. Review status: criteria provided, single submitter. Criteria: Ambry Variant Classification Scheme 2023. Collection method: clinical testing. Allele origin: germline.

Labcorp Genetics (formerly Invitae), Labcorp
Classification: Uncertain significance. Last evaluated: 2024-05-31. Review status: criteria provided, single submitter. Criteria: Invitae Variant Classification Sherloc (09022015). Collection method: clinical testing. Allele origin: germline.
Comment: This sequence change replaces arginine, which is basic and polar, with tryptophan, which is neutral and slightly polar, at codon 30 of the A2ML1 protein (p.Arg30Trp). This variant is present in population databases (rs193079087, gnomAD 0.009%). This variant has not been reported in the literature in individuals affected with A2ML1-related conditions. ClinVar contains an entry for this variant (Variation ID: 2043310). Algorithms developed to predict the effect of missense changes on protein structure and function output the following: SIFT: "Not Available"; PolyPhen-2: "Benign"; Align-GVGD: "Not Available". The tryptophan amino acid residue is found in multiple mammalian species, which suggests that this missense change does not adversely affect protein function. In summary, the available evidence is currently insufficient to determine the role of this variant in disease. Therefore, it has been classified as a Variant of Uncertain Significance.

NM_144670.6(A2ML1):c.88C>T (p.Arg30Trp)

Genes: A2ML1 (alpha-2-macroglobulin like 1; plus strand), A2ML1-AS1 (A2ML1 antisense RNA 1; minus strand). Cytogenetic location: 12p13.31.
Variant type: single nucleotide variant.
Coding change: c.88C>T on transcript NM_144670.6 (MANE Select); coding-DNA position 88, C replaced by T.
Protein change: p.Arg30Trp; replaces arginine 30 with tryptophan.
Molecular consequence: missense variant.
Genome position (GRCh38, 1-based): chr12:8,823,207, C>T. VCF-style: chr12-8823207-C-T. GRCh37 (hg19) VCF-style: chr12-8975803-C-T.
Other names: c.88C>T (NM_144670.3); short protein forms R30W.
Identifiers: ClinVar variation 2043310 (VCV002043310.8), dbSNP rs193079087, ClinGen allele CA6435166.
Genomic context (GRCh38, chr12:8,823,207, plus strand): 5'-ATTATTGCCCTGAAATCCTTCTGCTCCTTTAATAGAAACTACCTGGTGACATTACCAGCC[C>T]GGCTAAATTTCCCCTCCGTTCAGAAGGTTTGTTTGGACCTGAGCCCTGGGTACAGTGATG-3'
Protein context (NP_653271.3, residues 20-40): LPNYLVTLPA[Arg30Trp]LNFPSVQKVC